The following is an entry in ClinVar:

ClinVar aggregate classification (germline): Benign/Likely benign. Review status: criteria provided, multiple submitters, no conflicts (2 of 4 stars). 13 submissions from 11 submitters: Benign (6); Likely benign (5). 2 of the submissions do not count toward it. Last evaluated 2026-08-01.

Conditions:
Atypical hemolytic-uremic syndrome with C3 anomaly. Also called: AHUS, SUSCEPTIBILITY TO, 5. Identifiers: Orphanet 2134, MedGen C2752037, MONDO:0013043, OMIM 612925.
Complement component 3 deficiency. Identifiers: Orphanet 280133, MedGen C3151071, MONDO:0013417, OMIM 613779.
Age related macular degeneration 9. Identifiers: MedGen C1969651, MONDO:0012659, OMIM 611378.
Atypical hemolytic-uremic syndrome. Identifiers: Orphanet 2134, MedGen C2931788, MONDO:0016244.
C3 glomerulonephritis. Also called: C3 GLOMERULOPATHY 3; Nephropathy due to CFHR5 Deficiency. Identifiers: Orphanet 329931, MedGen C4055342, MONDO:0013892, OMIM 614809.

Allele frequency attached by ClinVar (database versions not stated): ESP Exome Variant Server 0.00338; 1000 Genomes Project 30x 0.00375; 1000 Genomes Project 0.00399; TOPMed 0.00490.
gnomAD v4.1: 1,177 of 1,614,092 alleles (0.073%); highest among the groups gnomAD compares: African/African-American, 1.4%; 7 homozygotes.

Submissions (13):

CeGaT Center for Human Genetics Tuebingen
Classification: Likely benign. Last evaluated: 2026-08-01. Review status: criteria provided, single submitter. Criteria: CeGaT Center For Human Genetics Tuebingen Variant Classification Criteria Version 2. Collection method: clinical testing. Allele origin: germline. Affected: yes. Observed: 2 variant alleles.
Comment: C3: PP2, BP4, BS1

Women's Health and Genetics/Laboratory Corporation of America, LabCorp
Classification: Likely benign. Last evaluated: 2026-02-02. Review status: criteria provided, single submitter. Criteria: LabCorp Variant Classification Summary - May 2015. Collection method: clinical testing. Allele origin: germline.
Comment: Variant summary: C3 c.4645C>A (p.Leu1549Met) results in a conservative amino acid change in the encoded protein sequence. Algorithms developed to predict the effect of missense changes on protein structure and function all suggest that this variant is likely to be tolerated. The variant allele was found at a frequency of 0.00098 in 249526 control chromosomes, predominantly at a frequency of 0.013 within the African or African-American subpopulation in the gnomAD database, including 3 homozygotes. The observed variant frequency within African or African-American control individuals in the gnomAD database exceeds the estimated maximal expected allele frequency for disease-causing variants in C3. ClinVar contains an entry for this variant (Variation ID: 330277). Based on the evidence outlined above, the variant was classified as likely benign.

Labcorp Genetics (formerly Invitae), Labcorp
Classification: Benign. Last evaluated: 2026-01-28. Review status: criteria provided, single submitter. Criteria: Invitae Variant Classification Sherloc (09022015). Collection method: clinical testing. Allele origin: germline.

Mayo Clinic Laboratories, Mayo Clinic
Classification: Likely benign. Last evaluated: 2025-11-19. Review status: criteria provided, single submitter. Criteria: ACMG Guidelines, 2015. Collection method: clinical testing. Allele origin: germline. Observed: 23 variant alleles.
Comment: BS1, BS3_supporting, BP4

Genomenon, Inc
Classification: Benign for Complement component 3 deficiency; C3 glomerulonephritis; Atypical hemolytic-uremic syndrome. Last evaluated: 2025-09-30. Review status: criteria provided, single submitter. Criteria: Genomenon Sequence Variant Interpretation Standards. Collection method: curation. Allele origin: germline. Affected: no.
Comment: C3 p.Leu1549Met (c.4645C>A) is a missense variant that changes the amino acid at residue 1549 from Leucine to Methionine. This variant is present at high allele frequency in population databases. In conclusion, we classify C3 p.Leu1549Met (c.4645C>A) as a benign variant.

Blueprint Genetics
Classification: Likely benign. Last evaluated: 2024-08-06. Review status: criteria provided, single submitter. Criteria: ACMG Guidelines, 2015. Collection method: clinical testing. Allele origin: germline.

Fulgent Genetics
Classification: Likely benign for Age related macular degeneration 9; Atypical hemolytic-uremic syndrome with C3 anomaly; Complement component 3 deficiency. Last evaluated: 2021-09-28. Review status: criteria provided, single submitter. Criteria: ACMG Guidelines, 2015. Collection method: clinical testing. Allele origin: unknown.

Illumina Laboratory Services, Illumina
Classification: Benign for Complement component 3 deficiency. Last evaluated: 2018-01-12. Review status: criteria provided, single submitter. Criteria: ICSL Variant Classification Criteria 13 December 2019. Collection method: clinical testing. Allele origin: germline.
Comment: This variant was observed in the ICSL laboratory as part of a predisposition screen in an ostensibly healthy population. It had not been previously curated by ICSL or reported in the Human Gene Mutation Database (HGMD: prior to June 1st, 2018), and was therefore a candidate for classification through an automated scoring system. Utilizing variant allele frequency, disease prevalence and penetrance estimates, and inheritance mode, an automated score was calculated to assess if this variant is too frequent to cause the disease. Based on the score and internal cut-off values, a variant classified as benign is not then subjected to further curation. The score for this variant resulted in a classification of benign for this disease.

Illumina Laboratory Services, Illumina
Classification: Benign for Age related macular degeneration 9. Last evaluated: 2018-01-12. Review status: criteria provided, single submitter. Criteria: ICSL Variant Classification Criteria 13 December 2019. Collection method: clinical testing. Allele origin: germline.
Comment: the same text as in the submission from Illumina Laboratory Services, Illumina above.

Illumina Laboratory Services, Illumina
Classification: Benign for Atypical hemolytic-uremic syndrome with C3 anomaly. Last evaluated: 2018-01-12. Review status: criteria provided, single submitter. Criteria: ICSL Variant Classification Criteria 13 December 2019. Collection method: clinical testing. Allele origin: germline.
Comment: the same text as in the submission from Illumina Laboratory Services, Illumina above.

Breakthrough Genomics
Classification: Benign. Review status: criteria provided, single submitter. Criteria: ACMG Guidelines, 2015. Collection method: not provided. Allele origin: germline. Inheritance: Autosomal recessive inheritance. Affected: yes.

Genome Diagnostics Laboratory, University Medical Center Utrecht
Classification: Likely benign. Review status: no assertion criteria provided. Collection method: clinical testing. Allele origin: germline. Affected: yes. Study: VKGL Data-share Consensus. Not counted in ClinVar's aggregate classification.

Joint Genome Diagnostic Labs from Nijmegen and Maastricht, Radboudumc and MUMC+
Classification: Likely benign. Review status: no assertion criteria provided. Collection method: clinical testing. Allele origin: germline. Affected: yes. Study: VKGL Data-share Consensus. Not counted in ClinVar's aggregate classification.

Literature cited by the submitters: PubMed 25608561 (cited by Mayo Clinic Laboratories, Mayo Clinic); PubMed 36473547 (cited by Mayo Clinic Laboratories, Mayo Clinic); PubMed 38096369 (cited by Mayo Clinic Laboratories, Mayo Clinic).

NM_000064.4(C3):c.4645C>A (p.Leu1549Met)

Gene: C3 (complement C3; minus strand). Cytogenetic location: 19p13.3.
Variant type: single nucleotide variant.
Coding change: c.4645C>A on transcript NM_000064.4 (MANE Select); coding-DNA position 4645, C replaced by A.
Protein change: p.Leu1549Met; replaces leucine 1549 with methionine.
Molecular consequence: missense variant.
Genome position (GRCh38, 1-based): chr19:6,678,441, G>T on the plus strand (C>A on the coding strand, the complement: C3 is on the minus strand). VCF-style: chr19-6678441-G-T. GRCh37 (hg19) VCF-style: chr19-6678452-G-T.
Other names: p.Leu1549Met; c.4645C>A (LRG_27t1); short protein forms L1549M.
Identifiers: ClinVar variation 330277 (VCV000330277.32), dbSNP rs149202905, ClinGen allele CA9128306.